The following is an entry in ClinVar:

ClinVar aggregate classification (germline): Uncertain significance. Review status: criteria provided, multiple submitters, no conflicts (2 of 4 stars). 2 submissions from 2 submitters: Uncertain significance (2). Last evaluated 2023-01-31.

Allele frequency attached by ClinVar (database versions not stated): gnomAD exomes below 0.00001.
gnomAD v4.1: 3 of 1,613,988 alleles (0.00019%); highest among the groups gnomAD compares: Middle Eastern, 0.016%; no homozygotes.

Submissions (2):

Clinical Genetics Laboratory, Skane University Hospital Lund
Classification: Uncertain significance. Last evaluated: 2023-01-31. Review status: criteria provided, single submitter. Criteria: ACMG Guidelines, 2015. Collection method: clinical testing. Allele origin: germline. Affected: yes.

CeGaT Center for Human Genetics Tuebingen
Classification: Uncertain significance. Last evaluated: 2022-05-01. Review status: criteria provided, single submitter. Criteria: CeGaT Center For Human Genetics Tuebingen Variant Classification Criteria Version 2. Collection method: clinical testing. Allele origin: germline. Affected: yes. Observed: 1 variant allele.
Comment: ASXL3: PM2, BP4

NM_030632.3(ASXL3):c.2213C>T (p.Ser738Phe)

Gene: ASXL3 (ASXL transcriptional regulator 3; plus strand). Cytogenetic location: 18q12.1.
Variant type: single nucleotide variant.
Coding change: c.2213C>T on transcript NM_030632.3 (MANE Select); coding-DNA position 2213, C replaced by T.
Protein change: p.Ser738Phe; replaces serine 738 with phenylalanine.
Molecular consequence: missense variant.
Genome position (GRCh38, 1-based): chr18:33,739,617, C>T. VCF-style: chr18-33739617-C-T. GRCh37 (hg19) VCF-style: chr18-31319581-C-T.
Other names: short protein forms S738F.
Identifiers: ClinVar variation 2648643 (VCV002648643.25), dbSNP rs952967423, ClinGen allele CA297787397.